The following is an entry in ClinVar:

NM_002485.5(NBN):c.103A>T (p.Ile35Phe)

Gene: NBN (nibrin; minus strand). Cytogenetic location: 8q21.3.
Variant type: single nucleotide variant.
Coding change: c.103A>T on transcript NM_002485.5 (MANE Select); coding-DNA position 103, A replaced by T.
Protein change: p.Ile35Phe; replaces isoleucine 35 with phenylalanine.
Molecular consequence: missense variant. On other transcripts: 5 prime UTR variant (1).
Genome position (GRCh38, 1-based): chr8:89,982,790, T>A on the plus strand (A>T on the coding strand, the complement: NBN is on the minus strand). VCF-style: chr8-89982790-T-A. GRCh37 (hg19) VCF-style: chr8-90995018-T-A.
Other names: c.-194A>T (NM_001024688.3); c.103A>T (NM_002485.4); short protein forms I35F.
Identifiers: ClinVar variation 1396134 (VCV001396134.9), dbSNP rs2129925202, ClinGen allele CA371663262.

ClinVar aggregate classification (germline): Uncertain significance. Review status: criteria provided, multiple submitters, no conflicts (2 of 4 stars). 2 submissions from 2 submitters: Uncertain significance (2). Last evaluated 2025-08-25.

Conditions:
Microcephaly, normal intelligence and immunodeficiency (NBS). Also called: SEEMANOVA SYNDROME II; IMMUNODEFICIENCY, MICROCEPHALY, AND CHROMOSOMAL INSTABILITY; Immunodeficiency, microcephaly with normal intelligence; BERLIN BREAKAGE SYNDROME; Nijmegen breakage syndrome; Microcephaly with normal intelligence immunodeficiency and lymphoreticular malignancies. Identifiers: Orphanet 647, MedGen C0398791, MONDO:0009623, OMIM 251260.
Hereditary cancer-predisposing syndrome. Also called: Hereditary neoplastic syndrome; Neoplastic Syndromes, Hereditary; Hereditary Cancer Syndrome; Tumor predisposition. Identifiers: Orphanet 140162, MedGen C0027672, MeSH D009386, MONDO:0015356.

Submissions (2):

Ambry Genetics
Classification: Uncertain significance for Hereditary cancer-predisposing syndrome. Last evaluated: 2025-08-25. Review status: criteria provided, single submitter. Criteria: Ambry Variant Classification Scheme 2023. Collection method: clinical testing. Allele origin: germline.
Comment: The p.I35F variant (also known as c.103A>T), located in coding exon 2 of the NBN gene, results from an A to T substitution at nucleotide position 103. The isoleucine at codon 35 is replaced by phenylalanine, an amino acid with highly similar properties. This amino acid position is conserved. In addition, the in silico prediction for this alteration is inconclusive. Based on the available evidence, the clinical significance of this variant remains unclear.

Labcorp Genetics (formerly Invitae), Labcorp
Classification: Uncertain significance for Microcephaly, normal intelligence and immunodeficiency. Last evaluated: 2023-03-16. Review status: criteria provided, single submitter. Criteria: Invitae Variant Classification Sherloc (09022015). Collection method: clinical testing. Allele origin: germline.
Comment: This variant has not been reported in the literature in individuals affected with NBN-related conditions. This variant is not present in population databases (gnomAD no frequency). This sequence change replaces isoleucine, which is neutral and non-polar, with phenylalanine, which is neutral and non-polar, at codon 35 of the NBN protein (p.Ile35Phe). ClinVar contains an entry for this variant (Variation ID: 1396134). In summary, the available evidence is currently insufficient to determine the role of this variant in disease. Therefore, it has been classified as a Variant of Uncertain Significance. An algorithm developed to predict the effect of missense changes on protein structure and function (PolyPhen-2) suggests that this variant is likely to be disruptive.